The following is an entry in ClinVar:

ClinVar aggregate classification (germline): Uncertain significance. Review status: criteria provided, multiple submitters, no conflicts (2 of 4 stars). 2 submissions from 2 submitters: Uncertain significance (2). Last evaluated 2021-08-18.

Allele frequency attached by ClinVar (database versions not stated): gnomAD exomes below 0.00001; TOPMed 0.00001.
gnomAD v4.1: 4 of 1,613,278 alleles (0.00025%); highest among the groups gnomAD compares: Non-Finnish European, 0.00034%; no homozygotes.

Submissions (2):

Labcorp Genetics (formerly Invitae), Labcorp
Classification: Uncertain significance. Last evaluated: 2021-08-18. Review status: criteria provided, single submitter. Criteria: Invitae Variant Classification Sherloc (09022015). Collection method: clinical testing. Allele origin: germline.
Comment: This sequence change replaces aspartic acid with glycine at codon 68 of the SCP2 protein (p.Asp68Gly). The aspartic acid residue is highly conserved and there is a moderate physicochemical difference between aspartic acid and glycine. In summary, the available evidence is currently insufficient to determine the role of this variant in disease. Therefore, it has been classified as a Variant of Uncertain Significance. Algorithms developed to predict the effect of missense changes on protein structure and function are either unavailable or do not agree on the potential impact of this missense change (SIFT: "Tolerated"; PolyPhen-2: "Possibly Damaging"; Align-GVGD: "Class C0"). ClinVar contains an entry for this variant (Variation ID: 806138). This variant has not been reported in the literature in individuals affected with SCP2-related conditions. This variant is not present in population databases (ExAC no frequency).

CeGaT Center for Human Genetics Tuebingen
Classification: Uncertain significance. Last evaluated: 2018-06-01. Review status: criteria provided, single submitter. Criteria: CeGaT Center For Human Genetics Tuebingen Variant Classification Criteria Version 2. Collection method: clinical testing. Allele origin: germline. Affected: yes. Observed: 1 variant allele.

NM_002979.5(SCP2):c.203A>G (p.Asp68Gly)

Gene: SCP2 (sterol carrier protein 2; plus strand). Cytogenetic location: 1p32.3.
Variant type: single nucleotide variant.
Coding change: c.203A>G on transcript NM_002979.5 (MANE Select); coding-DNA position 203, A replaced by G.
Protein change: p.Asp68Gly; replaces aspartic acid 68 with glycine.
Molecular consequence: missense variant. On other transcripts: 5 prime UTR variant (1), intron variant (2).
Genome position (GRCh38, 1-based): chr1:52,950,758, A>G. VCF-style: chr1-52950758-A-G. GRCh37 (hg19) VCF-style: chr1-53416430-A-G.
Other names: c.131A>G, p.Asp44Gly (NM_001193599.2); c.-41A>G (NM_001193617.2); c.203A>G, p.Asp68Gly (NM_001330587.2); c.199+2678A>G (NM_001193600.2, NM_001007098.3); short protein forms D68G, D44G.
Identifiers: ClinVar variation 806138 (VCV000806138.47), dbSNP rs933795923, ClinGen allele CA22594706.